The following is an entry in ClinVar:

ClinVar aggregate classification (germline): Pathogenic/Likely pathogenic. Review status: criteria provided, multiple submitters, no conflicts (2 of 4 stars). 4 submissions from 4 submitters: Pathogenic (3); Likely pathogenic (1). Last evaluated 2025-12-08.

Conditions:
X-linked Emery-Dreifuss muscular dystrophy. Also called: Muscular dystrophy, tardive Emery-Dreifuss type, with contractures. Identifiers: Orphanet 261, Orphanet 98863, MedGen C0751337, MONDO:0010680.
Emery-Dreifuss muscular dystrophy 1, X-linked (EDMD1). Also called: SCAPULOPERONEAL SYNDROME, X-LINKED; HUMEROPERONEAL NEUROMUSCULAR DISEASE; Muscular dystrophy, tardive, Dreifuss-Emery type, with contractures; EMD-Related Emery-Dreifuss Muscular Dystrophy, X-Linked. Identifiers: MedGen CN375556, MONDO:0100531, OMIM 310300.

Submissions (4):

Labcorp Genetics (formerly Invitae), Labcorp
Classification: Pathogenic for X-linked Emery-Dreifuss muscular dystrophy. Last evaluated: 2025-12-08. Review status: criteria provided, single submitter. Criteria: Invitae Variant Classification Sherloc (09022015). Collection method: clinical testing. Allele origin: germline.
Comment: This sequence change creates a premature translational stop signal (p.Asn20Lysfs*7) in the EMD gene. It is expected to result in an absent or disrupted protein product. Loss-of-function variants in EMD are known to be pathogenic (PMID: 24365856). This variant is not present in population databases (gnomAD no frequency). This variant has not been reported in the literature in individuals affected with EMD-related conditions. ClinVar contains an entry for this variant (Variation ID: 280697). For these reasons, this variant has been classified as Pathogenic.

Revvity Omics, Revvity
Classification: Pathogenic for Emery-Dreifuss muscular dystrophy 1, X-linked. Last evaluated: 2019-07-08. Review status: criteria provided, single submitter. Criteria: ACMG Guidelines, 2015. Collection method: clinical testing. Allele origin: germline.

Molecular Diagnostics Lab, Nemours Children's Health, Delaware
Classification: Likely pathogenic. Last evaluated: 2016-07-25. Review status: criteria provided, single submitter. Criteria: ACMG Guidelines, 2015. Collection method: clinical testing. Allele origin: unknown. Affected: yes. Observed: 1 heterozygote.

GeneDx
Classification: Pathogenic. Last evaluated: 2016-06-30. Review status: criteria provided, single submitter. Criteria: GeneDx Variant Classification (06012015). Collection method: clinical testing. Allele origin: germline. Affected: yes.
Comment: The c.60delC pathogenic variant in the EMD gene has not been reported previously as a pathogenic variant nor as a benign variant, to our knowledge. The c.60delC variant causes a frameshift starting with codon Asparagine 20, changes this amino acid to a Lysince residue, and creates a premature Stop codon at position 7 of the new reading frame, denoted p.Asn20LysfsX7. This variant is predicted to cause loss of normal protein function either through protein truncation or nonsense-mediated mRNA decay. The c.60delC variant was not observed in approximately 6100 individuals of European and African American ancestry in the NHLBI Exome Sequencing Project, indicating it is not a common benign variant in these populations. We interpret c.60delC as a pathogenic variant.

Literature cited by the submitters: PubMed 24365856 (cited by Labcorp Genetics (formerly Invitae), Labcorp).

NM_000117.3(EMD):c.60del (p.Asn20fs)

Gene: EMD (emerin; plus strand). Cytogenetic location: Xq28.
Variant type: Deletion.
Coding change: c.60del on transcript NM_000117.3 (MANE Select); coding-DNA position 60, one base deleted (C; older notation c.60delC).
Protein change: p.Asn20fs; shifts the reading frame from asparagine 20.
Molecular consequence: frameshift variant.
Genome position (GRCh38, 1-based): chrX:154,379,544, C deleted. VCF-style (leftmost placement, unchanged base first): chrX-154379543-AC-A. GRCh37 (hg19) VCF-style: chrX-153607903-AC-A.
Other names: c.60delC (NM_000117.2); short protein forms N20fs.
Identifiers: ClinVar variation 280697 (VCV000280697.13), dbSNP rs886041854, ClinGen allele CA10603419.